The following is an entry in ClinVar:

ClinVar aggregate classification (germline): Uncertain significance (1 of 4 stars; one submission).

Conditions:
Joubert syndrome 23 (JBTS23). Identifiers: Orphanet 475, MedGen C4084822, MONDO:0014664, OMIM 616490.
Short-rib thoracic dysplasia 14 with polydactyly (SRTD14). Identifiers: Orphanet 397715, MedGen C4225286, MONDO:0014688, OMIM 616546.

Allele frequency attached by ClinVar (database versions not stated): TOPMed below 0.00001.

Submission:

Labcorp Genetics (formerly Invitae), Labcorp
Classification: Uncertain significance for Joubert syndrome 23; Short-rib thoracic dysplasia 14 with polydactyly. Last evaluated: 2022-03-13. Review status: criteria provided, single submitter. Criteria: Invitae Variant Classification Sherloc (09022015). Collection method: clinical testing. Allele origin: germline.
Comment: In summary, the available evidence is currently insufficient to determine the role of this variant in disease. Therefore, it has been classified as a Variant of Uncertain Significance. This variant has not been reported in the literature in individuals affected with KIAA0586-related conditions. Algorithms developed to predict the effect of missense changes on protein structure and function (SIFT, PolyPhen-2, Align-GVGD) all suggest that this variant is likely to be tolerated. This sequence change replaces methionine, which is neutral and non-polar, with threonine, which is neutral and polar, at codon 1352 of the KIAA0586 protein (p.Met1352Thr). This variant is not present in population databases (gnomAD no frequency).

NM_001329943.3(KIAA0586):c.3896T>C (p.Met1299Thr)

Gene: KIAA0586 (KIAA0586; plus strand). Cytogenetic location: 14q23.1.
Variant type: single nucleotide variant.
Coding change: c.3896T>C on transcript NM_001329943.3 (MANE Select); coding-DNA position 3896, T replaced by C.
Protein change: p.Met1299Thr; replaces methionine 1299 with threonine.
Molecular consequence: missense variant. On other transcripts: intron variant (1).
Genome position (GRCh38, 1-based): chr14:58,492,181, T>C. VCF-style: chr14-58492181-T-C. GRCh37 (hg19) VCF-style: chr14-58958899-T-C.
Other names: c.4055T>C, p.Met1352Thr (NM_001244189.2); c.3851T>C, p.Met1284Thr (NM_001244190.2); c.3641T>C, p.Met1214Thr (NM_001244191.2, NM_001329945.2, NM_001364700.1 and 1 more transcripts); c.3764T>C, p.Met1255Thr (NM_001244192.2); c.3476T>C, p.Met1159Thr (NM_001244193.2); c.3896T>C, p.Met1299Thr (NM_001329944.2, NM_001329946.2); c.3668T>C, p.Met1223Thr (NM_014749.5); c.3858+1941T>C (NM_001329947.2); short protein forms M1223T, M1299T, M1159T, M1214T, M1255T, M1284T, M1352T.
Identifiers: ClinVar variation 2110844 (VCV002110844.4), dbSNP rs2042878044, ClinGen allele CA389884382.